The following is an entry in ClinVar:

NM_000277.3(PAH):c.441T>C (p.Pro147=)

Gene: PAH (phenylalanine hydroxylase; minus strand). Cytogenetic location: 12q23.2.
Variant type: single nucleotide variant.
Coding change: c.441T>C on transcript NM_000277.3 (MANE Select); coding-DNA position 441, T replaced by C.
Protein change: p.Pro147=; no amino-acid change (proline 147 retained).
Molecular consequence: synonymous variant.
Genome position (GRCh38, 1-based): chr12:102,877,462, A>G on the plus strand (T>C on the coding strand, the complement: PAH is on the minus strand). VCF-style: chr12-102877462-A-G. GRCh37 (hg19) VCF-style: chr12-103271240-A-G.
Other names: c.441T>C, p.Pro147= (NM_001354304.2).
Identifiers: ClinVar variation 987766 (VCV000987766.1), dbSNP rs1386014129, ClinGen allele CA481332664.

ClinVar aggregate classification (germline): Uncertain significance (3 of 4 stars; one submission).

Conditions:
Phenylketonuria (PKU). Also called: OLIGOPHRENIA PHENYLPYRUVICA; Phenylketonuria (PKU); Phenylketonurias; FOLLING DISEASE. Identifiers: Orphanet 716, MedGen C0031485, MONDO:0009861, OMIM 261600. Disease mechanism: loss of function.

Allele frequency attached by ClinVar (database versions not stated): TOPMed below 0.00001; gnomAD 0.00001.
gnomAD v4.1: 1 of 1,611,238 alleles (0.000062%); highest among the groups gnomAD compares: Admixed American, 0.0017%; no homozygotes.

Submission:

ClinGen PAH Variant Curation Expert Panel
Classification: Uncertain significance for Phenylketonuria. Last evaluated: 2020-10-16. Review status: reviewed by expert panel. Criteria: ClinGen PAH ACMG Specifications v1. Collection method: curation. Allele origin: germline. Inheritance: Autosomal recessive inheritance.
Comment: A defect in BH4 metabolism was not excluded. This variant is absent from population databases. It is a synonymous variant with conflicting predictions by splicing prediction algorithms. In summary, this variant meets criteria to be classified as uncertain significance for PAH. PAH-specific ACMG/AMP criteria applied: PM2, PP4.